The following is an entry in ClinVar:

ClinVar aggregate classification (germline): Pathogenic (1 of 4 stars; one submission).

Conditions:
Inborn genetic diseases. Identifiers: MedGen C0950123, MeSH D030342.

Submission:

Ambry Genetics
Classification: Pathogenic for Inborn genetic diseases. Last evaluated: 2017-05-31. Review status: criteria provided, single submitter. Criteria: Ambry Variant Classification Scheme 2023. Collection method: clinical testing. Allele origin: germline.
Comment: The p.Y1136* pathogenic mutation (also known as c.3408C>A), located in coding exon 21 of the CNTNAP2 gene, results from a C to A substitution at nucleotide position 3408. This changes the amino acid from a tyrosine to a stop codon within coding exon 21. This alteration is expected to result in loss of function by premature protein truncation or nonsense-mediated mRNA decay. As such, this alteration is interpreted as a disease-causing mutation.

NM_014141.6(CNTNAP2):c.3408C>A (p.Tyr1136Ter)

Gene: CNTNAP2 (contactin associated protein 2; plus strand). Cytogenetic location: 7q36.1.
Variant type: single nucleotide variant.
Coding change: c.3408C>A on transcript NM_014141.6 (MANE Select); coding-DNA position 3408, C replaced by A.
Protein change: p.Tyr1136Ter; replaces tyrosine 1136 with a stop codon.
Molecular consequence: nonsense.
Genome position (GRCh38, 1-based): chr7:148,267,059, C>A. VCF-style: chr7-148267059-C-A. GRCh37 (hg19) VCF-style: chr7-147964151-C-A.
Other names: short protein forms Y1136*.
Identifiers: ClinVar variation 590180 (VCV000590180.5), dbSNP rs144003099, ClinGen allele CA369928891.